The following is an entry in ClinVar:

NM_000069.3(CACNA1S):c.1949-1G>A

Gene: CACNA1S (calcium voltage-gated channel subunit alpha1 S; minus strand). Cytogenetic location: 1q32.1.
Variant type: single nucleotide variant.
Coding change: c.1949-1G>A on transcript NM_000069.3 (MANE Select); the canonical splice acceptor site of the intron before coding-DNA position 1949, G replaced by A.
Molecular consequence: splice acceptor variant.
Genome position (GRCh38, 1-based): chr1:201,074,621, C>T on the plus strand (G>A on the coding strand, the complement: CACNA1S is on the minus strand). VCF-style: chr1-201074621-C-T. GRCh37 (hg19) VCF-style: chr1-201043749-C-T.
Identifiers: ClinVar variation 3386368 (VCV003386368.1).
Genomic context (GRCh38, chr1:201,074,621, plus strand): 5'-GGCTCTCCGCCTCGGCCAGGTTGTCCACGGCAATGGCCAGGAAGACATTGAGCAGGATGT[C>T]TGAGCGGGTTTAGCTAAGGAGCCTTTGGTTGTAGGTGGAAGGGAGCCTGCAGGGCAGGAG-3'

ClinVar aggregate classification (germline): Uncertain significance (1 of 4 stars; one submission).

Conditions:
Malignant hyperthermia, susceptibility to, 5 (MHS5). Also called: CACNA1S-Related Malignant Hyperthermia Susceptibility. Identifiers: Orphanet 423, MedGen C1866077, MONDO:0011163, OMIM 601887.

Submission:

All of Us Research Program, National Institutes of Health
Classification: Uncertain significance for Malignant hyperthermia, susceptibility to, 5. Last evaluated: 2024-08-06. Review status: criteria provided, single submitter. Criteria: ACMG Guidelines, 2015. Collection method: clinical testing. Allele origin: germline. Inheritance: Autosomal dominant inheritance. Observed: 1 variant allele, 1 heterozygote.
Comment: This study involves interpretation of variants in research participants for the purpose of population health screening. Participant phenotype was not available at the time of variant classification. Additional details can be found in publication PMID: 35346344, PMCID: PMC8962531